The following is an entry in ClinVar:

ClinVar aggregate classification (germline): Uncertain significance (1 of 4 stars; one submission).

Conditions:
Autosomal recessive severe congenital neutropenia due to CSF3R deficiency. Also called: Neutropenia, severe congenital, 7, autosomal recessive. Identifiers: Orphanet 420702, MedGen C4310764, MONDO:0014865, OMIM 617014.

Allele frequency attached by ClinVar (database versions not stated): TOPMed 0.00001; ExAC 0.00002.
gnomAD v4.1: 9 of 1,614,226 alleles (0.00056%); highest among the groups gnomAD compares: Admixed American, 0.013%; no homozygotes.

Submission:

Labcorp Genetics (formerly Invitae), Labcorp
Classification: Uncertain significance for Autosomal recessive severe congenital neutropenia due to CSF3R deficiency. Last evaluated: 2024-06-23. Review status: criteria provided, single submitter. Criteria: Invitae Variant Classification Sherloc (09022015). Collection method: clinical testing. Allele origin: germline.
Comment: This sequence change falls in intron 5 of the CSF3R gene. It does not directly change the encoded amino acid sequence of the CSF3R protein. It affects a nucleotide within the consensus splice site. This variant is present in population databases (rs765680165, gnomAD 0.02%). This variant has not been reported in the literature in individuals affected with CSF3R-related conditions. ClinVar contains an entry for this variant (Variation ID: 2176596). Variants that disrupt the consensus splice site are a relatively common cause of aberrant splicing (PMID: 17576681, 9536098). Algorithms developed to predict the effect of sequence changes on RNA splicing suggest that this variant is not likely to affect RNA splicing. In summary, the available evidence is currently insufficient to determine the role of this variant in disease. Therefore, it has been classified as a Variant of Uncertain Significance.

Literature cited by the submitters: PubMed 17576681; PubMed 9536098.

NM_000760.4(CSF3R):c.485+6G>C

Gene: CSF3R (colony stimulating factor 3 receptor; minus strand). Cytogenetic location: 1p34.3.
Variant type: single nucleotide variant.
Coding change: c.485+6G>C on transcript NM_000760.4 (MANE Select); 6 bases into the intron after coding-DNA position 485, G replaced by C.
Molecular consequence: intron variant.
Genome position (GRCh38, 1-based): chr1:36,473,758, C>G on the plus strand (G>C on the coding strand, the complement: CSF3R is on the minus strand). VCF-style: chr1-36473758-C-G. GRCh37 (hg19) VCF-style: chr1-36939359-C-G.
Other names: c.485+6G>C (NM_156039.3, NM_172313.3).
Identifiers: ClinVar variation 2176596 (VCV002176596.4), dbSNP rs765680165, ClinGen allele CA769470.